The following is an entry in ClinVar:

NC_000006.11:g.(?_38754521)_(38759470_?)del

Gene: DNAH8 (dynein axonemal heavy chain 8; plus strand). Cytogenetic location: 6p21.2.
Variant type: Deletion.
Identifiers: ClinVar variation 1075071 (VCV001075071.13).

ClinVar aggregate classification (germline): Pathogenic (1 of 4 stars; one submission).

Conditions:
Primary ciliary dyskinesia. Also called: Ciliary dyskinesia. Identifiers: Orphanet 244, MedGen C0008780, MONDO:0016575, HP:0012265.

Submission:

Labcorp Genetics (formerly Invitae), Labcorp
Classification: Pathogenic for Primary ciliary dyskinesia. Last evaluated: 2020-03-15. Review status: criteria provided, single submitter. Criteria: Invitae Variant Classification Sherloc (09022015). Collection method: clinical testing. Allele origin: germline.
Comment: For these reasons, this variant has been classified as Pathogenic. Loss-of-function variants in DNAH8 are known to be pathogenic (PMID: 24307375). This variant has not been reported in the literature in individuals with DNAH8-related conditions. This variant is an out-of-frame deletion of the genomic region encompassing exon(s) 18-21 of the DNAH8 gene. This is expected to create a premature translational stop signal and result in an absent or disrupted protein product.

Literature cited by the submitters: PubMed 24307375.